The following is an entry in ClinVar:

ClinVar aggregate classification (germline): Pathogenic. Review status: reviewed by expert panel (3 of 4 stars). 5 submissions from 5 submitters: Pathogenic (1). 4 of the submissions do not count toward it. Last evaluated 2016-09-08.

Conditions:
Hereditary cancer-predisposing syndrome. Also called: Tumor predisposition; Neoplastic Syndromes, Hereditary; Hereditary Cancer Syndrome; Hereditary neoplastic syndrome. Identifiers: Orphanet 140162, MedGen C0027672, MeSH D009386, MONDO:0015356.
Breast-ovarian cancer, familial, susceptibility to, 1 (BROVCA1). Also called: OVARIAN CANCER, SUSCEPTIBILITY TO; BRCA1 Hereditary Breast and Ovarian Cancer. Identifiers: Orphanet 145, MedGen C2676676, MONDO:0011450, OMIM 604370. Disease mechanism: loss of function.

Submissions (5):

Evidence-based Network for the Interpretation of Germline Mutant Alleles (ENIGMA)
Classification: Pathogenic for Breast-ovarian cancer, familial, susceptibility to, 1. Last evaluated: 2016-09-08. Review status: reviewed by expert panel. Criteria: ENIGMA BRCA1/2 Classification Criteria (2015). Collection method: curation. Allele origin: germline.
Comment: Variant allele predicted to encode a truncated non-functional protein.

Ambry Genetics
Classification: Pathogenic for Hereditary cancer-predisposing syndrome. Last evaluated: 2025-07-29. Review status: criteria provided, single submitter. Criteria: Ambry Variant Classification Scheme 2023. Collection method: clinical testing. Allele origin: germline. Not counted in ClinVar's aggregate classification.
Comment: The c.2393delC pathogenic mutation, located in coding exon 9 of the BRCA1 gene, results from a deletion of one nucleotide at nucleotide position 2393, causing a translational frameshift with a predicted alternate stop codon (p.P798Qfs*5). This mutation has been reported in a cohort of Danish BRCA1 and BRCA2 positive families (Thomassen M et al. Acta Oncol 2008; 47(4):772-7). This variant is considered to be rare based on population cohorts in the Genome Aggregation Database (gnomAD). In addition to the clinical data presented in the literature, this alteration is expected to result in loss of function by premature protein truncation or nonsense-mediated mRNA decay. As such, this alteration is interpreted as a disease-causing mutation.

Department of Clinical Genetics, Copenhagen University Hospital, Rigshospitalet
Classification: Pathogenic for Breast-ovarian cancer, familial, susceptibility to, 1. Last evaluated: 2024-05-27. Review status: criteria provided, single submitter. Criteria: ACMG Guidelines, 2015. Collection method: clinical testing. Allele origin: germline. Affected: yes. Not counted in ClinVar's aggregate classification.
Comment: PVS1; PM2_supporting; PM5_PTC_Strong

BRCAlab, Lund University
Classification: Pathogenic for Breast-ovarian cancer, familial, susceptibility to, 1. Last evaluated: 2020-03-02. Review status: no assertion criteria provided. Collection method: clinical testing. Allele origin: germline. Affected: yes. Not counted in ClinVar's aggregate classification.

Breast Cancer Information Core (BIC) (BRCA1)
Classification: Pathogenic for Breast-ovarian cancer, familial 1. Last evaluated: 2003-12-23. Review status: no assertion criteria provided. Collection method: clinical testing. Allele origin: germline. Affected: yes. Observed: 1 variant allele. Not counted in ClinVar's aggregate classification.

Literature cited by the submitters: PubMed 18465347 (cited by Ambry Genetics).

NM_007294.4(BRCA1):c.2393del (p.Pro798fs)

Gene: BRCA1 (BRCA1 DNA repair associated; minus strand). Cytogenetic location: 17q21.31.
Variant type: Deletion.
Coding change: c.2393del on transcript NM_007294.4 (MANE Select); coding-DNA position 2393, one base deleted (C; older notation c.2393delC).
Protein change: p.Pro798fs; shifts the reading frame from proline 798.
Molecular consequence: frameshift variant. On other transcripts: intron variant (137).
Genome position (GRCh38, 1-based): chr17:43,093,138, G deleted on the plus strand (C on the coding strand, the reverse complement: BRCA1 is on the minus strand); the first of 2 consecutive G bases (chr17:43,093,138-43,093,139); deleting either gives the same sequence. VCF-style (leftmost placement, unchanged base first): chr17-43093137-TG-T. GRCh37 (hg19) VCF-style: chr17-41245154-TG-T.
Other names: 2512delC; c.2393delC (NM_007294.3); c.2012del, p.Pro671fs (NM_001407963.1, NM_001407959.1, NM_001407960.1); c.2249del, p.Pro750fs (NM_001407964.1, NM_001407740.1, NM_001407741.1 and 20 more transcripts); c.1889del, p.Pro630fs (NM_001407965.1); c.1505del, p.Pro502fs (NM_001407966.1, NM_001407967.1); c.2252del, p.Pro751fs (NM_007297.4, NM_001407692.1, NM_001407694.1 and 29 more transcripts); c.2393del, p.Pro798fs (NM_007300.4, NM_001407581.1, NM_001407582.1 and 30 more transcripts); and 43 more; short protein forms P798fs, P751fs, P502fs, P686fs, P710fs, P731fs, P771fs, P772fs.
Identifiers: ClinVar variation 54555 (VCV000054555.8), dbSNP rs80357850, ClinGen allele CA001592.